The following is an entry in ClinVar:

NM_001130987.2(DYSF):c.635C>T (p.Pro212Leu)

Gene: DYSF (dysferlin; plus strand). Cytogenetic location: 2p13.2.
Variant type: single nucleotide variant.
Coding change: c.635C>T on transcript NM_001130987.2 (MANE Select); coding-DNA position 635, C replaced by T.
Protein change: p.Pro212Leu; replaces proline 212 with leucine.
Molecular consequence: missense variant.
Genome position (GRCh38, 1-based): chr2:71,513,797, C>T. VCF-style: chr2-71513797-C-T. GRCh37 (hg19) VCF-style: chr2-71740927-C-T.
Other names: c.542C>T, p.Pro181Leu (NM_001130455.2, NM_001130983.2, NM_001130984.2 and 1 more transcripts); c.539C>T, p.Pro180Leu (NM_001130976.2, NM_001130977.2, NM_001130978.2 and 1 more transcripts); c.632C>T, p.Pro211Leu (NM_001130979.2, NM_001130980.2, NM_001130981.2); c.635C>T, p.Pro212Leu (NM_001130982.2, NM_001130985.2); short protein forms P180L, P181L, P211L, P212L.
Identifiers: ClinVar variation 1879474 (VCV001879474.38), dbSNP rs761985420, ClinGen allele CA1705400.

ClinVar aggregate classification (germline): Conflicting classifications of pathogenicity. Review status: criteria provided, conflicting classifications (1 of 4 stars). 4 submissions from 4 submitters: Uncertain significance (3); Likely benign (1). Last evaluated 2026-05-29.

Conditions:
Autosomal recessive limb-girdle muscular dystrophy. Identifiers: Orphanet 102015, MedGen C2931907, MONDO:0015152.
Neuromuscular disease caused by qualitative or quantitative defects of dysferlin. Also called: Qualitative or quantitative defects of dysferlin; Dysferlinopathy. Identifiers: Orphanet 207073, MedGen C2931687, MONDO:0016145.

Allele frequency attached by ClinVar (database versions not stated): ExAC 0.00002; TOPMed 0.00002; gnomAD 0.00003.
gnomAD v4.1: 23 of 1,613,976 alleles (0.0014%); highest among the groups gnomAD compares: East Asian, 0.018%; no homozygotes.

Submissions (4):

Myriad Genetics, Inc.
Classification: Uncertain significance for Autosomal recessive limb-girdle muscular dystrophy. Last evaluated: 2026-05-29. Review status: criteria provided, single submitter. Criteria: Myriad Autosomal Dominant, Autosomal Recessive and X-Linked Classification Criteria (2023). Collection method: clinical testing. Allele origin: unknown.
Comment: NM_003494.3(DYSF):c.539C>T(P180L) is a missense variant classified as a variant of uncertain significance in the context of dysferlinopathy. P180L has been observed in a case with relevant disease (PMID: 39678382). Relevant functional assessments of this variant are not available in the literature. P180L has been observed in referenced population frequency databases. In summary, there is insufficient evidence to classify NM_003494.3(DYSF):c.539C>T(P180L) as pathogenic or benign. Please note: this variant was assessed in the context of healthy population screening.

Revvity Omics, Revvity
Classification: Uncertain significance. Last evaluated: 2025-03-27. Review status: criteria provided, single submitter. Criteria: ACMG Guidelines, 2015. Collection method: clinical testing. Allele origin: germline.

Labcorp Genetics (formerly Invitae), Labcorp
Classification: Likely benign for Neuromuscular disease caused by qualitative or quantitative defects of dysferlin. Last evaluated: 2024-06-07. Review status: criteria provided, single submitter. Criteria: Invitae Variant Classification Sherloc (09022015). Collection method: clinical testing. Allele origin: germline.

CeGaT Center for Human Genetics Tuebingen
Classification: Uncertain significance. Last evaluated: 2022-12-01. Review status: criteria provided, single submitter. Criteria: CeGaT Center For Human Genetics Tuebingen Variant Classification Criteria Version 2. Collection method: clinical testing. Allele origin: germline. Affected: yes. Observed: 1 variant allele.
Comment: DYSF: PM2, BP4

Literature cited by the submitters: PubMed 39678382 (cited by Myriad Genetics, Inc.).